The following is an entry in ClinVar:

NM_001358530.2(MOCS1):c.610C>T (p.His204Tyr)

Gene: MOCS1 (molybdenum cofactor synthesis 1; minus strand). Cytogenetic location: 6p21.2.
Variant type: single nucleotide variant.
Coding change: c.610C>T on transcript NM_001358530.2 (MANE Select); coding-DNA position 610, C replaced by T.
Protein change: p.His204Tyr; replaces histidine 204 with tyrosine.
Molecular consequence: missense variant. On other transcripts: non-coding transcript variant (1).
Genome position (GRCh38, 1-based): chr6:39,913,809, G>A on the plus strand (C>T on the coding strand, the complement: MOCS1 is on the minus strand). VCF-style: chr6-39913809-G-A. GRCh37 (hg19) VCF-style: chr6-39881553-G-A.
Other names: c.610C>T, p.His204Tyr (NM_001075098.4, NM_001358529.2, NM_005943.6); c.349C>T, p.His117Tyr (NM_001358531.2, NM_001358533.2, NM_001358534.2); c.610C>T (NM_005943.5); short protein forms H117Y, H204Y.
Identifiers: ClinVar variation 1055748 (VCV001055748.11), dbSNP rs373030876, ClinGen allele CA3796225.

ClinVar aggregate classification (germline): Uncertain significance. Review status: criteria provided, multiple submitters, no conflicts (2 of 4 stars). 4 submissions from 4 submitters: Uncertain significance (4). Last evaluated 2026-02-02.

Conditions:
Inborn genetic diseases. Identifiers: MedGen C0950123, MeSH D030342.
Sulfite oxidase deficiency due to molybdenum cofactor deficiency type A. Also called: Molybdenum cofactor deficiency, complementation group A; Molybdenum Cofactor Deficiency A. Identifiers: Orphanet 308386, Orphanet 833, MedGen C1854988, MONDO:0009643, OMIM 252150.

Allele frequency attached by ClinVar (database versions not stated): ExAC 0.00004; gnomAD exomes 0.00004 and 0.00009; gnomAD 0.00005; TOPMed 0.00006; ESP Exome Variant Server 0.00008.
gnomAD v4.1: 142 of 1,614,078 alleles (0.0088%); highest among the groups gnomAD compares: Non-Finnish European, 0.011%; no homozygotes.

Submissions (4):

Labcorp Genetics (formerly Invitae), Labcorp
Classification: Uncertain significance for Sulfite oxidase deficiency due to molybdenum cofactor deficiency type A. Last evaluated: 2026-02-02. Review status: criteria provided, single submitter. Criteria: Invitae Variant Classification Sherloc (09022015). Collection method: clinical testing. Allele origin: germline.
Comment: This sequence change replaces histidine, which is basic and polar, with tyrosine, which is neutral and polar, at codon 204 of the MOCS1 protein (p.His204Tyr). This variant is present in population databases (rs373030876, gnomAD 0.01%). This variant has not been reported in the literature in individuals affected with MOCS1-related conditions. ClinVar contains an entry for this variant (Variation ID: 1055748). An algorithm developed to predict the effect of missense changes on protein structure and function (PolyPhen-2) suggests that this variant is likely to be tolerated. In summary, the available evidence is currently insufficient to determine the role of this variant in disease. Therefore, it has been classified as a Variant of Uncertain Significance.

Ambry Genetics
Classification: Uncertain significance for Inborn genetic diseases. Last evaluated: 2025-03-10. Review status: criteria provided, single submitter. Criteria: Ambry Variant Classification Scheme 2023. Collection method: clinical testing. Allele origin: germline.

Blueprint Genetics
Classification: Uncertain significance. Last evaluated: 2024-07-18. Review status: criteria provided, single submitter. Criteria: ACMG Guidelines, 2015. Collection method: clinical testing. Allele origin: germline.

Fulgent Genetics
Classification: Uncertain significance for Sulfite oxidase deficiency due to molybdenum cofactor deficiency type A. Last evaluated: 2024-06-13. Review status: criteria provided, single submitter. Criteria: ACMG Guidelines, 2015. Collection method: clinical testing. Allele origin: germline.